The following is an entry in ClinVar:

NM_033380.3(COL4A5):c.2051G>C (p.Gly684Ala)

Gene: COL4A5 (collagen type IV alpha 5 chain; plus strand). Cytogenetic location: Xq22.3.
Variant type: single nucleotide variant.
Coding change: c.2051G>C on transcript NM_033380.3 (MANE Select); coding-DNA position 2051, G replaced by C.
Protein change: p.Gly684Ala; replaces glycine 684 with alanine.
Molecular consequence: missense variant.
Genome position (GRCh38, 1-based): chrX:108,601,894, G>C. VCF-style: chrX-108601894-G-C. GRCh37 (hg19) VCF-style: chrX-107845124-G-C.
Other names: c.2051G>C, p.Gly684Ala (NM_000495.5); short protein forms G684A.
Identifiers: ClinVar variation 4852343 (VCV004852343.1).

ClinVar aggregate classification (germline): Likely pathogenic (1 of 4 stars; one submission).

Conditions:
X-linked Alport syndrome (ATS1). Also called: COL4A5-Related Nephropathy; NEPHROPATHY AND DEAFNESS, X-LINKED. Identifiers: Orphanet 63, Orphanet 88917, MedGen C4746986, MONDO:0010520, OMIM 301050.

Submission:

MVZ Medizinische Genetik Mainz
Classification: Likely pathogenic for X-linked Alport syndrome. Last evaluated: 2026-05-06. Review status: criteria provided, single submitter. Criteria: UK Practice Guidelines For Variant Classification V4 01 2020. Collection method: clinical testing. Allele origin: germline. Inheritance: X-linked dominant inheritance. Affected: yes. Observed: 1 variant allele.
Comment: ACMG Criteria: PM1_STR,PM5,PM2_SUP,PP3,PP4